The following is an entry in ClinVar:

NM_006031.6(PCNT):c.4378G>A (p.Val1460Ile)

Gene: PCNT (pericentrin; plus strand). Cytogenetic location: 21q22.3.
Variant type: single nucleotide variant.
Coding change: c.4378G>A on transcript NM_006031.6 (MANE Select); coding-DNA position 4378, G replaced by A.
Protein change: p.Val1460Ile; replaces valine 1460 with isoleucine.
Molecular consequence: missense variant.
Genome position (GRCh38, 1-based): chr21:46,397,426, G>A. VCF-style: chr21-46397426-G-A. GRCh37 (hg19) VCF-style: chr21-47817340-G-A.
Other names: c.4024G>A, p.Val1342Ile (NM_001315529.2); short protein forms V1460I, V1342I.
Identifiers: ClinVar variation 340489 (VCV000340489.6), dbSNP rs766688176, ClinGen allele CA10079612.

ClinVar aggregate classification (germline): Uncertain significance. Review status: criteria provided, multiple submitters, no conflicts (2 of 4 stars). 2 submissions from 2 submitters: Uncertain significance (2). Last evaluated 2026-03-05.

Conditions:
PCNT-related disorder. Also called: PCNT-related condition.
Microcephalic osteodysplastic primordial dwarfism type II (MOPD2). Also called: OSTEODYSPLASTIC PRIMORDIAL DWARFISM, TYPE II; Microcephalic osteodysplastic primordial dwarfism with tooth abnormalities; MOPD II. Identifiers: Orphanet 2637, MedGen C0432246, MONDO:0008872, OMIM 210720.

Allele frequency attached by ClinVar (database versions not stated): gnomAD exomes 0.00006 and 0.00013; ExAC 0.00008; TOPMed 0.00008; gnomAD 0.00010 and 0.00011.
gnomAD v4.1: 100 of 1,614,066 alleles (0.0062%); highest among the groups gnomAD compares: African/African-American, 0.013%; no homozygotes.

Submissions (2):

PreventionGenetics, part of Exact Sciences
Classification: Uncertain significance for PCNT-related condition. Last evaluated: 2026-03-05. Review status: criteria provided, single submitter. Criteria: ACMG Guidelines, 2015. Collection method: clinical testing. Allele origin: germline.
Comment: The PCNT c.4378G>A variant is predicted to result in the amino acid substitution p.Val1460Ile. To our knowledge, this variant has not been reported in the literature. This variant is reported in 0.11% of alleles in individuals of European (Finnish) descent in gnomAD. Although we suspect that this variant may be benign, at this time, the clinical significance of this variant is uncertain due to the absence of conclusive functional and genetic evidence.

Illumina Laboratory Services, Illumina
Classification: Uncertain significance for Microcephalic osteodysplastic primordial dwarfism type II. Last evaluated: 2018-01-13. Review status: criteria provided, single submitter. Criteria: ICSL Variant Classification Criteria 13 December 2019. Collection method: clinical testing. Allele origin: germline.